The following is an entry in ClinVar:

ClinVar aggregate classification (germline): Uncertain significance. Review status: criteria provided, multiple submitters, no conflicts (2 of 4 stars). 2 submissions from 2 submitters: Uncertain significance (2). Last evaluated 2025-10-01.

Conditions:
Polycystic kidney disease, adult type (PKD1). Also called: POLYCYSTIC KIDNEY DISEASE, ADULT, TYPE I; Polycystic Kidney Disease 1, Autosomal Dominant; Polycystic kidney disease 1; Polycystic kidney disease 1, severe; Polycystic Kidney, Autosomal Dominant; POLYCYSTIC KIDNEY DISEASE 1 WITH OR WITHOUT POLYCYSTIC LIVER DISEASE. Identifiers: MedGen C3149841, MONDO:0008263, OMIM 173900.

Submissions (2):

Women's Health and Genetics/Laboratory Corporation of America, LabCorp
Classification: Uncertain significance. Last evaluated: 2025-10-01. Review status: criteria provided, single submitter. Criteria: LabCorp Variant Classification Summary - May 2015. Collection method: clinical testing. Allele origin: germline.
Comment: Variant summary: PKD1 c.6655_6663delCCGCGGCTG (p.Pro2219_Leu2221del) results in an in-frame deletion that is predicted to remove 3 amino acids from the encoded protein. The variant was absent in 238062 control chromosomes. The available data on variant occurrences in the general population are insufficient to allow any conclusion about variant significance. To our knowledge, no occurrence of c.6655_6663delCCGCGGCTG in individuals affected with PKD1-related conditions and no experimental evidence demonstrating its impact on protein function have been reported. A different variant affecting the same codon has been classified as likely pathogenic/pathogenic by our lab (c.6656C>T, &same_codon_pdot&), supporting the critical relevance of codon 2219 to PKD1 protein function. ClinVar contains an entry for this variant (Variation ID: 3382151). Based on the evidence outlined above, the variant was classified as uncertain significance.

Juno Genomics, Hangzhou Juno Genomics, Inc
Classification: Uncertain significance for Polycystic kidney disease, adult type. Review status: criteria provided, single submitter. Criteria: ACMG Guidelines, 2015. Collection method: clinical testing. Allele origin: germline. Affected: yes.
Comment: Absent from controls (or at extremely low frequency if recessive) in Genome Aggregation Database, Exome Sequencing Project, 1000 Genomes Project, or Exome Aggregation Consortium.;Protein length changes due to in-frame deletions/insertions in a non-repeat region or stop-loss variants.;Patient's phenotype or family history is highly specific for a disease with a single genetic etiology.

NM_001009944.3(PKD1):c.6655_6663del (p.Pro2219_Leu2221del)

Gene: PKD1 (polycystin 1, transient receptor potential channel interacting; minus strand). Cytogenetic location: 16p13.3.
Variant type: Deletion.
Coding change: c.6655_6663del on transcript NM_001009944.3 (MANE Select); coding-DNA positions 6655 to 6663, 9 bases deleted (CCGCGGCTG; older notation c.6655_6663delCCGCGGCTG).
Protein change: p.Pro2219_Leu2221del.
Molecular consequence: inframe deletion.
Genome position (GRCh38, 1-based): chr16:2,108,504-2,108,512, CAGCCGCGG deleted on the plus strand (CCGCGGCTG on the coding strand, the reverse complement: PKD1 is on the minus strand); deleting any 9 consecutive bases within chr16:2,108,504-2,108,516 gives the same sequence; the c. name uses the placement nearest the transcript's 3' end. VCF-style (leftmost placement, unchanged base first): chr16-2108503-CCAGCCGCGG-C. GRCh37 (hg19) VCF-style: chr16-2158504-CCAGCCGCGG-C.
Other names: c.6655_6663delCCGCGGCTG (NM_001009944.3); c.6655_6663del, p.Pro2219_Leu2221del (NM_000296.4).
Identifiers: ClinVar variation 3382151 (VCV003382151.3).